The following is an entry in ClinVar:

NM_015021.3(ZNF292):c.7003C>T (p.Arg2335Ter)

Gene: ZNF292 (zinc finger protein 292; plus strand). Cytogenetic location: 6q14.3.
Variant type: single nucleotide variant.
Coding change: c.7003C>T on transcript NM_015021.3 (MANE Select); coding-DNA position 7003, C replaced by T.
Protein change: p.Arg2335Ter; replaces arginine 2335 with a stop codon.
Molecular consequence: nonsense.
Genome position (GRCh38, 1-based): chr6:87,260,632, C>T. VCF-style: chr6-87260632-C-T. GRCh37 (hg19) VCF-style: chr6-87970350-C-T.
Other names: c.6583C>T, p.Arg2195Ter (NM_001351444.2); short protein forms R2195*, R2335*.
Identifiers: ClinVar variation 1315597 (VCV001315597.9), dbSNP rs1168689294, ClinGen allele CA364942308.

ClinVar aggregate classification (germline): Conflicting classifications of pathogenicity. Review status: criteria provided, conflicting classifications (1 of 4 stars). 3 submissions from 3 submitters: Likely pathogenic (2); Uncertain significance (1). Last evaluated 2025-11-18.

Conditions:
Intellectual developmental disorder, autosomal dominant 64. Also called: MENTAL RETARDATION, AUTOSOMAL DOMINANT 64. Identifiers: MedGen C5543067, MONDO:0030934, OMIM 619188.

Submissions (3):

Clinical Genomics Laboratory, Washington University in St. Louis
Classification: Likely pathogenic for Intellectual developmental disorder, autosomal dominant 64. Last evaluated: 2025-11-18. Review status: criteria provided, single submitter. Criteria: ACMG Guidelines, 2015. Collection method: clinical testing. Allele origin: germline. Affected: yes.
Comment: The ZNF292 c.7003C>T (p.Arg2335*) variant, to our knowledge, has not been reported in the medical literature. This variant has been reported in the ClinVar database as a germline likely pathogenic variant by one submitter and as a variant of uncertain significance by one submitter. This variant causes a frameshift leading to a premature termination codon; however, because this occurs in the last exon, this is not predicted to lead to nonsense mediated decay. Based on available information and the ACMG/AMP guidelines for variant interpretation (Richards S et al., PMID: 25741868), this variant is classified as likely pathogenic.

Women's Health and Genetics/Laboratory Corporation of America, LabCorp
Classification: Uncertain significance. Last evaluated: 2025-01-02. Review status: criteria provided, single submitter. Criteria: LabCorp Variant Classification Summary - May 2015. Collection method: clinical testing. Allele origin: germline.
Comment: Variant summary: ZNF292 c.7003C>T (p.Arg2335X) results in a premature termination codon, predicted to cause a truncation of the encoded protein or absence of the protein, which are commonly known mechanisms for disease. Variants downstream of this position have not been classified Pathogenic in ClinVar or by our lab. The variant was absent in 246004 control chromosomes. The available data on variant occurrences in the general population are insufficient to allow any conclusion about variant significance. To our knowledge, no occurrence of c.7003C>T in individuals affected with Autosomal Dominant Intellectual Developmental Disorder 64 and no experimental evidence demonstrating its impact on protein function have been reported. ClinVar contains an entry for this variant (Variation ID: 1315597). Based on the evidence outlined above, the variant was classified as uncertain significance.

GeneDx
Classification: Likely pathogenic. Last evaluated: 2024-04-22. Review status: criteria provided, single submitter. Criteria: GeneDx Variant Classification Process June 2021. Collection method: clinical testing. Allele origin: germline. Affected: yes.
Comment: Nonsense variant predicted to result in protein truncation, as the last 389 amino acids are lost, and other loss-of-function variants have been reported downstream in HGMD; Not observed in large population cohorts (gnomAD); Has not been previously published as pathogenic or benign to our knowledge